The following is an entry in ClinVar:

ClinVar aggregate classification (germline): Uncertain significance. Review status: criteria provided, multiple submitters, no conflicts (2 of 4 stars). 2 submissions from 2 submitters: Uncertain significance (2). Last evaluated 2024-12-07.

Conditions:
Kostmann syndrome (SCN3). Also called: Autosomal recessive severe congenital neutropenia type 3; KOSTMANN DISEASE. Identifiers: Orphanet 99749, MedGen C5235141, MONDO:0012548, OMIM 610738.
Inborn genetic diseases. Identifiers: MedGen C0950123, MeSH D030342.

Allele frequency attached by ClinVar (database versions not stated): gnomAD exomes below 0.00001.
gnomAD v4.1: 3 of 1,614,096 alleles (0.00019%); highest among the groups gnomAD compares: Non-Finnish European, 0.00025%; no homozygotes.

Submissions (2):

Ambry Genetics
Classification: Uncertain significance for Inborn genetic diseases. Last evaluated: 2024-12-07. Review status: criteria provided, single submitter. Criteria: Ambry Variant Classification Scheme 2023. Collection method: clinical testing. Allele origin: germline.
Comment: The p.G122E variant (also known as c.365G>A), located in coding exon 3 of the HAX1 gene, results from a G to A substitution at nucleotide position 365. The glycine at codon 122 is replaced by glutamic acid, an amino acid with similar properties. This amino acid position is conserved. In addition, this alteration is predicted to be tolerated by in silico analysis. Based on the available evidence, the clinical significance of this variant remains unclear.

Labcorp Genetics (formerly Invitae), Labcorp
Classification: Uncertain significance for Kostmann syndrome. Last evaluated: 2024-03-04. Review status: criteria provided, single submitter. Criteria: Invitae Variant Classification Sherloc (09022015). Collection method: clinical testing. Allele origin: germline.
Comment: This sequence change replaces glycine, which is neutral and non-polar, with glutamic acid, which is acidic and polar, at codon 122 of the HAX1 protein (p.Gly122Glu). This variant is not present in population databases (gnomAD no frequency). This variant has not been reported in the literature in individuals affected with HAX1-related conditions. ClinVar contains an entry for this variant (Variation ID: 2177043). Advanced modeling of protein sequence and biophysical properties (such as structural, functional, and spatial information, amino acid conservation, physicochemical variation, residue mobility, and thermodynamic stability) performed at Invitae indicates that this missense variant is not expected to disrupt HAX1 protein function with a negative predictive value of 80%. In summary, the available evidence is currently insufficient to determine the role of this variant in disease. Therefore, it has been classified as a Variant of Uncertain Significance.

NM_006118.4(HAX1):c.365G>A (p.Gly122Glu)

Gene: HAX1 (HCLS1 associated protein X-1; plus strand). Cytogenetic location: 1q21.3.
Variant type: single nucleotide variant.
Coding change: c.365G>A on transcript NM_006118.4 (MANE Select); coding-DNA position 365, G replaced by A.
Protein change: p.Gly122Glu; replaces glycine 122 with glutamic acid.
Molecular consequence: missense variant.
Genome position (GRCh38, 1-based): chr1:154,273,822, G>A. VCF-style: chr1-154273822-G-A. GRCh37 (hg19) VCF-style: chr1-154246298-G-A.
Other names: c.221G>A, p.Gly74Glu (NM_001018837.2); short protein forms G74E, G122E.
Identifiers: ClinVar variation 2177043 (VCV002177043.4), dbSNP rs1684875274, ClinGen allele CA342592472.